The following is an entry in ClinVar:

NM_001365951.3(KIF1B):c.2408C>G (p.Pro803Arg)

Gene: KIF1B (kinesin family member 1B; plus strand). Cytogenetic location: 1p36.22.
Variant type: single nucleotide variant.
Coding change: c.2408C>G on transcript NM_001365951.3 (MANE Select); coding-DNA position 2408, C replaced by G.
Protein change: p.Pro803Arg; replaces proline 803 with arginine.
Molecular consequence: missense variant.
Genome position (GRCh38, 1-based): chr1:10,323,933, C>G. VCF-style: chr1-10323933-C-G. GRCh37 (hg19) VCF-style: chr1-10383991-C-G.
Other names: c.2270C>G, p.Pro757Arg (NM_015074.3); c.2408C>G, p.Pro803Arg (NM_001365952.1); short protein forms P757R, P803R.
Identifiers: ClinVar variation 4741266 (VCV004741266.2).

ClinVar aggregate classification (germline): Uncertain significance. Review status: criteria provided, multiple submitters, no conflicts (2 of 4 stars). 2 submissions from 2 submitters: Uncertain significance (2). Last evaluated 2026-04-12.

Conditions:
Charcot-Marie-Tooth disease type 2. Also called: Charcot-Marie-Tooth type 2. Identifiers: Orphanet 64746, MedGen C0270914, MONDO:0018993.

Submissions (2):

Ambry Genetics
Classification: Uncertain significance. Last evaluated: 2026-04-12. Review status: criteria provided, single submitter. Criteria: Ambry Variant Classification Scheme 2023. Collection method: clinical testing. Allele origin: germline.
Comment: The p.P757R variant (also known as c.2270C>G), located in coding exon 22 of the KIF1B gene, results from a C to G substitution at nucleotide position 2270. The proline at codon 757 is replaced by arginine, an amino acid with dissimilar properties. This amino acid position is conserved. In addition, the in silico prediction for this alteration is inconclusive. Based on the available evidence, the clinical significance of this variant remains unclear.

Labcorp Genetics (formerly Invitae), Labcorp
Classification: Uncertain significance for Charcot-Marie-Tooth disease type 2. Last evaluated: 2025-03-13. Review status: criteria provided, single submitter. Criteria: Invitae Variant Classification Sherloc (09022015). Collection method: clinical testing. Allele origin: germline.
Comment: This sequence change replaces proline, which is neutral and non-polar, with arginine, which is basic and polar, at codon 757 of the KIF1B protein (p.Pro757Arg). This variant is not present in population databases (gnomAD no frequency). This variant has not been reported in the literature in individuals affected with KIF1B-related conditions. Invitae Evidence Modeling of protein sequence and biophysical properties (such as structural, functional, and spatial information, amino acid conservation, physicochemical variation, residue mobility, and thermodynamic stability) indicates that this missense variant is not expected to disrupt KIF1B protein function with a negative predictive value of 80%. In summary, the available evidence is currently insufficient to determine the role of this variant in disease. Therefore, it has been classified as a Variant of Uncertain Significance.